The following is an entry in ClinVar:

ClinVar aggregate classification (germline): Uncertain significance (1 of 4 stars; one submission).

Allele frequency attached by ClinVar (database versions not stated): ExAC 0.00001; gnomAD 0.00001; TOPMed 0.00001.
gnomAD v4.1: 3 of 1,612,094 alleles (0.00019%); highest among the groups gnomAD compares: Non-Finnish European, 0.00025%; no homozygotes.

Submission:

Labcorp Genetics (formerly Invitae), Labcorp
Classification: Uncertain significance. Last evaluated: 2023-01-26. Review status: criteria provided, single submitter. Criteria: Invitae Variant Classification Sherloc (09022015). Collection method: clinical testing. Allele origin: germline.
Comment: This sequence change replaces arginine, which is basic and polar, with glycine, which is neutral and non-polar, at codon 215 of the WNT1 protein (p.Arg215Gly). This variant is present in population databases (rs770483597, gnomAD 0.0009%). This variant has not been reported in the literature in individuals affected with WNT1-related conditions. Advanced modeling of protein sequence and biophysical properties (such as structural, functional, and spatial information, amino acid conservation, physicochemical variation, residue mobility, and thermodynamic stability) performed at Invitae indicates that this missense variant is not expected to disrupt WNT1 protein function. In summary, the available evidence is currently insufficient to determine the role of this variant in disease. Therefore, it has been classified as a Variant of Uncertain Significance.

NM_005430.4(WNT1):c.643C>G (p.Arg215Gly)

Gene: WNT1 (Wnt family member 1; plus strand). Cytogenetic location: 12q13.12.
Variant type: single nucleotide variant.
Coding change: c.643C>G on transcript NM_005430.4 (MANE Select); coding-DNA position 643, C replaced by G.
Protein change: p.Arg215Gly; replaces arginine 215 with glycine.
Molecular consequence: missense variant.
Genome position (GRCh38, 1-based): chr12:48,981,170, C>G. VCF-style: chr12-48981170-C-G. GRCh37 (hg19) VCF-style: chr12-49374953-C-G.
Other names: short protein forms R215G.
Identifiers: ClinVar variation 2990913 (VCV002990913.3), dbSNP rs770483597, ClinGen allele CA6544448.
Genomic context (GRCh38, chr12:48,981,170, plus strand): 5'-GCCCGGTGCCCTGGGACACTCTTTCTTCCCCTATCCCCGCAGACCGTATTCTCCGAGATG[C>G]GCCAGGAGTGCAAGTGCCACGGGATGTCCGGCTCATGCACGGTGCGCACGTGCTGGATGC-3'
Protein context (NP_005421.1, residues 205-225): AGRTTVFSEM[Arg215Gly]QECKCHGMSG